The following is an entry in ClinVar:

NM_001077653.2(TBX20):c.773A>C (p.Glu258Ala)

Gene: TBX20 (T-box transcription factor 20; minus strand). Cytogenetic location: 7p14.2.
Variant type: single nucleotide variant.
Coding change: c.773A>C on transcript NM_001077653.2 (MANE Select); coding-DNA position 773, A replaced by C.
Protein change: p.Glu258Ala; replaces glutamic acid 258 with alanine.
Molecular consequence: missense variant.
Genome position (GRCh38, 1-based): chr7:35,240,919, T>G on the plus strand (A>C on the coding strand, the complement: TBX20 is on the minus strand). VCF-style: chr7-35240919-T-G. GRCh37 (hg19) VCF-style: chr7-35280531-T-G.
Other names: c.773A>C, p.Glu258Ala (NM_001166220.1); short protein forms E258A.
Identifiers: ClinVar variation 2702707 (VCV002702707.3), dbSNP rs1424831644, ClinGen allele CA367263968.

ClinVar aggregate classification (germline): Uncertain significance (1 of 4 stars; one submission).

gnomAD v4.1: 1 of 1,613,944 alleles (0.000062%); no homozygotes.

Submission:

Labcorp Genetics (formerly Invitae), Labcorp
Classification: Uncertain significance. Last evaluated: 2023-06-25. Review status: criteria provided, single submitter. Criteria: Invitae Variant Classification Sherloc (09022015). Collection method: clinical testing. Allele origin: germline.
Comment: In summary, the available evidence is currently insufficient to determine the role of this variant in disease. Therefore, it has been classified as a Variant of Uncertain Significance. Advanced modeling of protein sequence and biophysical properties (such as structural, functional, and spatial information, amino acid conservation, physicochemical variation, residue mobility, and thermodynamic stability) performed at Invitae indicates that this missense variant is expected to disrupt TBX20 protein function. This variant has not been reported in the literature in individuals affected with TBX20-related conditions. This variant is not present in population databases (gnomAD no frequency). This sequence change replaces glutamic acid, which is acidic and polar, with alanine, which is neutral and non-polar, at codon 258 of the TBX20 protein (p.Glu258Ala).